The following is an entry in ClinVar:

NM_005546.4(ITK):c.131G>A (p.Arg44His)

Gene: ITK (IL2 inducible T cell kinase; plus strand). Cytogenetic location: 5q33.3.
Variant type: single nucleotide variant.
Coding change: c.131G>A on transcript NM_005546.4 (MANE Select); coding-DNA position 131, G replaced by A.
Protein change: p.Arg44His; replaces arginine 44 with histidine.
Molecular consequence: missense variant.
Genome position (GRCh38, 1-based): chr5:157,181,108, G>A. VCF-style: chr5-157181108-G-A. GRCh37 (hg19) VCF-style: chr5-156608119-G-A.
Other names: short protein forms R44H.
Identifiers: ClinVar variation 1500819 (VCV001500819.6), dbSNP rs201892355, ClinGen allele CA3532620.

ClinVar aggregate classification (germline): Uncertain significance. Review status: criteria provided, multiple submitters, no conflicts (2 of 4 stars). 2 submissions from 2 submitters: Uncertain significance (2). Last evaluated 2023-12-27.

Conditions:
Lymphoproliferative syndrome 1 (LPFS1). Identifiers: Orphanet 238505, Orphanet 538963, MedGen C3552634, MONDO:0013081, OMIM 613011.

Allele frequency attached by ClinVar (database versions not stated): ExAC 0.00004; gnomAD 0.00006 and 0.00007; gnomAD exomes 0.00006 and 0.00009; TOPMed 0.00007; 1000 Genomes Project 30x 0.00016; 1000 Genomes Project 0.00020.
gnomAD v4.1: 138 of 1,614,040 alleles (0.0085%); highest among the groups gnomAD compares: Non-Finnish European, 0.011%; no homozygotes.

Submissions (2):

Blueprint Genetics
Classification: Uncertain significance. Last evaluated: 2023-12-27. Review status: criteria provided, single submitter. Criteria: ACMG Guidelines, 2015. Collection method: clinical testing. Allele origin: germline.

Labcorp Genetics (formerly Invitae), Labcorp
Classification: Uncertain significance for Lymphoproliferative syndrome 1. Last evaluated: 2022-11-03. Review status: criteria provided, single submitter. Criteria: Invitae Variant Classification Sherloc (09022015). Collection method: clinical testing. Allele origin: germline.
Comment: This sequence change replaces arginine, which is basic and polar, with histidine, which is basic and polar, at codon 44 of the ITK protein (p.Arg44His). This variant is present in population databases (rs201892355, gnomAD 0.008%). This variant has not been reported in the literature in individuals affected with ITK-related conditions. ClinVar contains an entry for this variant (Variation ID: 1500819). Advanced modeling of protein sequence and biophysical properties (such as structural, functional, and spatial information, amino acid conservation, physicochemical variation, residue mobility, and thermodynamic stability) performed at Invitae indicates that this missense variant is not expected to disrupt ITK protein function. In summary, the available evidence is currently insufficient to determine the role of this variant in disease. Therefore, it has been classified as a Variant of Uncertain Significance.